The following is an entry in ClinVar:

NM_001365276.2(TNXB):c.12420G>A (p.Ser4140=)

Genes: TNXB (tenascin XB; minus strand), LOC106780803 (tenascin XB recombination region; plus strand). Cytogenetic location: 6p21.33.
Variant type: single nucleotide variant.
Coding change: c.12420G>A on transcript NM_001365276.2 (MANE Select); coding-DNA position 12420, G replaced by A.
Protein change: p.Ser4140=; no amino-acid change (serine 4140 retained).
Molecular consequence: synonymous variant.
Genome position (GRCh38, 1-based): chr6:32,042,061, C>T on the plus strand (G>A on the coding strand, the complement: TNXB is on the minus strand). VCF-style: chr6-32042061-C-T. GRCh37 (hg19) VCF-style: chr6-32009838-C-T.
Other names: p.Ser4138=; c.13161G>A, p.Ser4387= (NM_001428335.1); c.12414G>A, p.Ser4138= (NM_019105.8); c.1707G>A, p.Ser569= (NM_032470.4).
Identifiers: ClinVar variation 4684928 (VCV004684928.1).

ClinVar aggregate classification (germline): Likely benign (1 of 4 stars; one submission).

Submission:

Mayo Clinic Laboratories, Mayo Clinic
Classification: Likely benign. Last evaluated: 2025-03-26. Review status: criteria provided, single submitter. Criteria: ACMG Guidelines, 2015. Collection method: clinical testing. Allele origin: germline. Observed: 1 variant allele.
Comment: BP4, BP7